The following is an entry in ClinVar:

NM_000702.4(ATP1A2):c.835C>T (p.Arg279Trp)

Gene: ATP1A2 (ATPase Na+/K+ transporting subunit alpha 2; plus strand). Cytogenetic location: 1q23.2.
Variant type: single nucleotide variant.
Coding change: c.835C>T on transcript NM_000702.4 (MANE Select); coding-DNA position 835, C replaced by T.
Protein change: p.Arg279Trp; replaces arginine 279 with tryptophan.
Molecular consequence: missense variant.
Genome position (GRCh38, 1-based): chr1:160,127,638, C>T. VCF-style: chr1-160127638-C-T. GRCh37 (hg19) VCF-style: chr1-160097428-C-T.
Other names: short protein forms R279W.
Identifiers: ClinVar variation 3369929 (VCV003369929.2).

ClinVar aggregate classification (germline): Uncertain significance (1 of 4 stars; one submission).

gnomAD v4.1: 6 of 1,614,104 alleles (0.00037%); highest among the groups gnomAD compares: South Asian, 0.0011%; no homozygotes.

Submission:

GeneDx
Classification: Uncertain significance. Last evaluated: 2025-03-13. Review status: criteria provided, single submitter. Criteria: GeneDx Variant Classification Process June 2021. Collection method: clinical testing. Allele origin: germline.
Comment: Not observed at significant frequency in large population cohorts (gnomAD); In silico analysis supports that this missense variant has a deleterious effect on protein structure/function; Has not been previously published as pathogenic or benign to our knowledge